The following is an entry in ClinVar:

NM_001174150.2(ARL13B):c.30C>T (p.Gly10=)

Gene: ARL13B (ARF like GTPase 13B; plus strand). Cytogenetic location: 3q11.1.
Variant type: single nucleotide variant.
Coding change: c.30C>T on transcript NM_001174150.2 (MANE Select); coding-DNA position 30, C replaced by T.
Protein change: p.Gly10=; no amino-acid change (glycine 10 retained).
Molecular consequence: synonymous variant. On other transcripts: 5 prime UTR variant (2), non-coding transcript variant (2).
Genome position (GRCh38, 1-based): chr3:93,980,453, C>T. VCF-style: chr3-93980453-C-T. GRCh37 (hg19) VCF-style: chr3-93699297-C-T.
Other names: c.-209C>T (NM_001174151.2); c.-138C>T (NM_001321328.2); c.30C>T, p.Gly10= (NM_144996.4, NM_182896.3).
Identifiers: ClinVar variation 346908 (VCV000346908.38), dbSNP rs375770842, ClinGen allele CA2503724.
Genomic context (GRCh38, chr3:93,980,453, plus strand): 5'-GGATGGGAAGTGGTGGGAGGAGCGACCCGGGATGTTCAGTCTGATGGCCAGTTGCTGCGG[C>T]TGGTTCAAGCGGTGGCGGGAGCCTGTCAGGTAGGCTGGAGCCAGCTGTCCTGGCCGTCCT-3'
Protein context (NP_001167621.1, residues 1-20): MFSLMASCC[Gly10=]WFKRWREPVR

ClinVar aggregate classification (germline): Conflicting classifications of pathogenicity. Review status: criteria provided, conflicting classifications (1 of 4 stars). 5 submissions from 5 submitters: Uncertain significance (1); Likely benign (3). 1 of the submissions does not count toward it. Last evaluated 2025-12-23.

Conditions:
ARL13B-related disorder. Also called: ARL13B-related condition.
Joubert syndrome 8 (JBTS8). Identifiers: Orphanet 475, MedGen C2676771, MONDO:0012855, OMIM 612291.

Allele frequency attached by ClinVar (database versions not stated): ExAC 0.00002; gnomAD exomes 0.00003; gnomAD 0.00006 and 0.00007; TOPMed 0.00006; ESP Exome Variant Server 0.00008.
gnomAD v4.1: 120 of 1,612,510 alleles (0.0074%); highest among the groups gnomAD compares: Non-Finnish European, 0.0095%; no homozygotes.

Submissions (5):

Labcorp Genetics (formerly Invitae), Labcorp
Classification: Likely benign for Joubert syndrome 8. Last evaluated: 2025-12-23. Review status: criteria provided, single submitter. Criteria: Invitae Variant Classification Sherloc (09022015). Collection method: clinical testing. Allele origin: germline.

Blueprint Genetics
Classification: Likely benign. Last evaluated: 2024-11-05. Review status: criteria provided, single submitter. Criteria: ACMG Guidelines, 2015. Collection method: clinical testing. Allele origin: germline.

CeGaT Center for Human Genetics Tuebingen
Classification: Likely benign. Last evaluated: 2023-03-01. Review status: criteria provided, single submitter. Criteria: CeGaT Center For Human Genetics Tuebingen Variant Classification Criteria Version 2. Collection method: clinical testing. Allele origin: germline. Affected: yes. Observed: 1 variant allele.
Comment: ARL13B: BP4, BP7

Fulgent Genetics
Classification: Uncertain significance for Joubert syndrome 8. Last evaluated: 2021-07-28. Review status: criteria provided, single submitter. Criteria: ACMG Guidelines, 2015. Collection method: clinical testing. Allele origin: unknown.

PreventionGenetics, part of Exact Sciences
Classification: Likely benign for ARL13B-related condition. Last evaluated: 2019-07-30. Review status: no assertion criteria provided. Collection method: clinical testing. Allele origin: germline. Not counted in ClinVar's aggregate classification.
Comment: This variant is classified as likely benign based on ACMG/AMP sequence variant interpretation guidelines (Richards et al. 2015 PMID: 25741868, with internal and published modifications).